The following is an entry in ClinVar:

ClinVar aggregate classification (germline): Uncertain significance (1 of 4 stars; one submission).

Conditions:
Hereditary spastic paraplegia 30. Identifiers: Orphanet 101010, MedGen C5235139, MONDO:0012476.
Neuropathy, hereditary sensory, type 2C. Also called: Hereditary sensory and autonomic neuropathy type IIC; KIF1A-Related HSAN2 (HSAN2C). Identifiers: Orphanet 970, MedGen C3280168, MONDO:0013634, OMIM 614213.
Intellectual disability, autosomal dominant 9 (NESCAVS). Also called: NESCAV SYNDROME; KIF1A-Related Neurodevelopmental Disorder. Identifiers: Orphanet 662367, MedGen C5393830, MONDO:0013656, OMIM 614255.

Submission:

Labcorp Genetics (formerly Invitae), Labcorp
Classification: Uncertain significance for Hereditary spastic paraplegia 30; Neuropathy, hereditary sensory, type 2C; Intellectual disability, autosomal dominant 9. Last evaluated: 2022-05-12. Review status: criteria provided, single submitter. Criteria: Invitae Variant Classification Sherloc (09022015). Collection method: clinical testing. Allele origin: germline.
Comment: In summary, the available evidence is currently insufficient to determine the role of this variant in disease. Therefore, it has been classified as a Variant of Uncertain Significance. Algorithms developed to predict the effect of sequence changes on RNA splicing suggest that this variant may create or strengthen a splice site. Advanced modeling of protein sequence and biophysical properties (such as structural, functional, and spatial information, amino acid conservation, physicochemical variation, residue mobility, and thermodynamic stability) performed at Invitae indicates that this missense variant is not expected to disrupt KIF1A protein function. This variant has not been reported in the literature in individuals affected with KIF1A-related conditions. This variant is not present in population databases (gnomAD no frequency). This sequence change replaces alanine, which is neutral and non-polar, with valine, which is neutral and non-polar, at codon 385 of the KIF1A protein (p.Ala385Val).

NM_001244008.2(KIF1A):c.1154C>T (p.Ala385Val)

Gene: KIF1A (kinesin family member 1A; minus strand). Cytogenetic location: 2q37.3.
Variant type: single nucleotide variant.
Coding change: c.1154C>T on transcript NM_001244008.2 (MANE Select); coding-DNA position 1154, C replaced by T.
Protein change: p.Ala385Val; replaces alanine 385 with valine.
Molecular consequence: missense variant.
Genome position (GRCh38, 1-based): chr2:240,773,140, G>A on the plus strand (C>T on the coding strand, the complement: KIF1A is on the minus strand). VCF-style: chr2-240773140-G-A. GRCh37 (hg19) VCF-style: chr2-241712557-G-A.
Other names: c.1154C>T, p.Ala385Val (NM_001320705.2, NM_001330289.2, NM_001330290.2 and 21 more transcripts); short protein forms A385V.
Identifiers: ClinVar variation 2168864 (VCV002168864.4), dbSNP rs1281059636, ClinGen allele CA351295057.